The following is an entry in ClinVar:

ClinVar aggregate classification (germline): Uncertain significance (1 of 4 stars; one submission).

Conditions:
Inborn genetic diseases. Identifiers: MedGen C0950123, MeSH D030342.

Allele frequency attached by ClinVar (database versions not stated): gnomAD exomes below 0.00001.
gnomAD v4.1: 3 of 1,576,098 alleles (0.00019%); highest among the groups gnomAD compares: Non-Finnish European, 0.00017%; no homozygotes.

Submission:

Ambry Genetics
Classification: Uncertain significance for Inborn genetic diseases. Last evaluated: 2021-11-06. Review status: criteria provided, single submitter. Criteria: Ambry Variant Classification Scheme 2023. Collection method: clinical testing. Allele origin: germline.
Comment: The p.P451L variant (also known as c.1352C>T), located in coding exon 10 of the ACD gene, results from a C to T substitution at nucleotide position 1352. The proline at codon 451 is replaced by leucine, an amino acid with similar properties. This amino acid position is conserved. In addition, this alteration is predicted to be tolerated by in silico analysis. Since supporting evidence is limited at this time, the clinical significance of this alteration remains unclear.

NM_001082486.2(ACD):c.1094C>T (p.Pro365Leu)

Gene: ACD (ACD shelterin complex subunit and telomerase recruitment factor; minus strand). Cytogenetic location: 16q22.1.
Variant type: single nucleotide variant.
Coding change: c.1094C>T on transcript NM_001082486.2 (MANE Select); coding-DNA position 1094, C replaced by T.
Protein change: p.Pro365Leu; replaces proline 365 with leucine.
Molecular consequence: missense variant.
Genome position (GRCh38, 1-based): chr16:67,658,098, G>A on the plus strand (C>T on the coding strand, the complement: ACD is on the minus strand). VCF-style: chr16-67658098-G-A. GRCh37 (hg19) VCF-style: chr16-67692001-G-A.
Other names: c.1007C>T, p.Pro336Leu (NM_001410884.1); c.1085C>T, p.Pro362Leu (NM_022914.3); short protein forms P336L, P362L, P365L.
Identifiers: ClinVar variation 1770629 (VCV001770629.2), dbSNP rs1444628761, ClinGen allele CA396352139.
Genomic context (GRCh38, chr16:67,658,098, plus strand): 5'-GGCGGCCGATTCTTGCAGGGCAACCCTACAAACTCCTTGAACTCCAGGCTAGGTTTCTGG[G>A]GCCTGGTCACAAGAGCCTGGTGTGGACTGGGGACATGGCTACGGGGTGAGAGACTGGGAG-3'
Protein context (NP_001075955.2, residues 355-375): PSPHQALVTR[Pro365Leu]QKPSLEFKEF